The following is an entry in ClinVar:

NM_007294.4(BRCA1):c.4372_4373del (p.Gln1458fs)

Gene: BRCA1 (BRCA1 DNA repair associated; minus strand). Cytogenetic location: 17q21.31.
Variant type: Microsatellite.
Coding change: c.4372_4373del on transcript NM_007294.4 (MANE Select); coding-DNA positions 4372 to 4373, 2 bases deleted (CA; older notation c.4372_4373delCA).
Protein change: p.Gln1458fs; shifts the reading frame from glutamine 1458.
Molecular consequence: frameshift variant. On other transcripts: non-coding transcript variant (1).
Genome position (GRCh38, 1-based): chr17:43,076,599-43,076,600, TG deleted on the plus strand (CA on the coding strand, the reverse complement: BRCA1 is on the minus strand); deleting any 2 consecutive bases within chr17:43,076,599-43,076,602 gives the same sequence; the c. name uses the placement nearest the transcript's 3' end. VCF-style (leftmost placement, unchanged base first): chr17-43076598-CTG-C. GRCh37 (hg19) VCF-style: chr17-41228615-CTG-C.
Other names: c.4372_4373delCA (NM_007294.3); c.1058_1059CA[1], p.Gln354Glufs (NM_001407979.1, NM_001407980.1, NM_001407981.1 and 12 more transcripts); c.1055_1056CA[1], p.Gln353Glufs (NM_001408392.1, NM_001408396.1, NM_001408397.1 and 8 more transcripts); c.1052_1053CA[1], p.Gln352Glufs (NM_001408406.1, NM_001408407.1, NM_001408408.1); c.1049_1050CA[1], p.Gln351Glufs (NM_001408409.1); c.986_987CA[1], p.Gln330Glufs (NM_001408410.1); c.983_984CA[1], p.Gln329Glufs (NM_001408411.1); c.980_981CA[1], p.Gln328Glufs (NM_001408412.1, NM_001408413.1, NM_001408414.1 and 2 more transcripts); and 72 more; short protein forms Q1479fs, Q1411fs, Q1458fs, Q354fs.
Identifiers: ClinVar variation 252433 (VCV000252433.4), dbSNP rs879255317, ClinGen allele CA10585938.

ClinVar aggregate classification (germline): Pathogenic. Review status: reviewed by expert panel (3 of 4 stars). 2 submissions from 2 submitters: Pathogenic (1). 1 of the submissions does not count toward it. Last evaluated 2017-12-15.

Conditions:
Breast-ovarian cancer, familial, susceptibility to, 1 (BROVCA1). Also called: BRCA1 Hereditary Breast and Ovarian Cancer; OVARIAN CANCER, SUSCEPTIBILITY TO. Identifiers: Orphanet 145, MedGen C2676676, MONDO:0011450, OMIM 604370. Disease mechanism: loss of function.
Familial cancer of breast. Also called: BREAST CANCER, FAMILIAL; hereditary breast carcinoma; Hereditary breast cancer. Identifiers: Orphanet 227535, MedGen C0346153, MONDO:0016419, OMIM 114480. Disease mechanism: loss of function.

Submissions (2):

Evidence-based Network for the Interpretation of Germline Mutant Alleles (ENIGMA)
Classification: Pathogenic for Breast-ovarian cancer, familial, susceptibility to, 1. Last evaluated: 2017-12-15. Review status: reviewed by expert panel. Criteria: ENIGMA BRCA1/2 Classification Criteria (2017-06-29). Collection method: curation. Allele origin: germline. Study: ENIGMA.
Comment: Variant allele predicted to encode a truncated non-functional protein.

GeneKor MSA
Classification: Pathogenic for Hereditary Breast Carcinoma. Last evaluated: 2020-01-01. Review status: criteria provided, single submitter. Criteria: ACMG Guidelines, 2015. Collection method: clinical testing. Allele origin: germline. Affected: yes. Not counted in ClinVar's aggregate classification.
Comment: This variant is a two base pair deletion from exon 13 of the BRCA1 mRNA, causing a frameshift after codon 1458 and this creates a premature translational stop signal 3 amino acid residues later. This is expected to result in an absent or disrupted protein product. Truncating variants in BRCA1 are known to be pathogenic (PMID: 20104584). This variant has been described in the international literature in individuals undergoing panel testing for hereditary syndrome (PMID: 31159747). The mutation database ClinVar contains entries for this variant (Variation ID: 252433).